The following is an entry in ClinVar:

ClinVar aggregate classification (germline): Conflicting classifications of pathogenicity. Review status: criteria provided, conflicting classifications (1 of 4 stars). 15 submissions from 15 submitters: Uncertain significance (11); Likely benign (2). 2 of the submissions do not count toward it. Last evaluated 2026-02-13.

Conditions:
Intellectual disability, autosomal dominant 9 (NESCAVS). Also called: KIF1A-Related Neurodevelopmental Disorder; NESCAV SYNDROME. Identifiers: Orphanet 662367, MedGen C5393830, MONDO:0013656, OMIM 614255.
Neuropathy, hereditary sensory, type 2C. Also called: Hereditary sensory and autonomic neuropathy type IIC; KIF1A-Related HSAN2 (HSAN2C). Identifiers: Orphanet 970, MedGen C3280168, MONDO:0013634, OMIM 614213.
Hereditary spastic paraplegia 30. Identifiers: Orphanet 101010, MedGen C5235139, MONDO:0012476.
Inborn genetic diseases. Identifiers: MedGen C0950123, MeSH D030342.
KIF1A-related disorder. Also called: KIF1A-related disorders; KIF1A-related condition.
Hereditary spastic paraplegia. Also called: Familial spastic paraparesis. Identifiers: Orphanet 685, MedGen C0037773, MONDO:0019064. Disease mechanism: loss of function.

Allele frequency attached by ClinVar (database versions not stated): gnomAD exomes 0.00012 and 0.00015; gnomAD 0.00015 and 0.00016; 1000 Genomes Project 30x 0.00016; ExAC 0.00019; 1000 Genomes Project 0.00020; TOPMed 0.00024; ESP Exome Variant Server 0.00041.
gnomAD v4.1: 202 of 1,611,406 alleles (0.013%); highest among the groups gnomAD compares: Middle Eastern, 0.033%; 1 homozygote.

Submissions (15):

PreventionGenetics, part of Exact Sciences
Classification: Uncertain significance for KIF1A-related condition. Last evaluated: 2026-02-13. Review status: criteria provided, single submitter. Criteria: ACMG Guidelines, 2015. Collection method: clinical testing. Allele origin: germline.
Comment: The KIF1A c.4771C>T variant is predicted to result in the amino acid substitution p.Arg1591Trp. This variant has been reported in the compound heterozygous state in an individual with seizures, optic nerve atrophy and hypotonia (Patient K_011 in Table S1, Boyle et al. 2021. PubMed ID: 33880452). This variant is reported in 0.043% of alleles in individuals of Latino descent in gnomAD and has conflicting interpretations in ClinVar ranging from uncertain to likely benign (Variation ID: 377242). At this time, the clinical significance of this variant is uncertain due to the absence of conclusive functional and genetic evidence.

Labcorp Genetics (formerly Invitae), Labcorp
Classification: Likely benign for Hereditary spastic paraplegia 30; Neuropathy, hereditary sensory, type 2C; Intellectual disability, autosomal dominant 9. Last evaluated: 2026-01-21. Review status: criteria provided, single submitter. Criteria: Invitae Variant Classification Sherloc (09022015). Collection method: clinical testing. Allele origin: germline.

Women's Health and Genetics/Laboratory Corporation of America, LabCorp
Classification: Uncertain significance. Last evaluated: 2025-10-28. Review status: criteria provided, single submitter. Criteria: LabCorp Variant Classification Summary - May 2015. Collection method: clinical testing. Allele origin: germline.
Comment: Variant summary: KIF1A c.4468C>T (p.Arg1490Trp) results in a non-conservative amino acid change in the encoded protein sequence. Algorithms developed to predict the effect of missense changes on protein structure and function are either unavailable or do not agree on the potential impact of this missense change. The variant allele was found at a frequency of 0.00012 in 1604456 control chromosomes in the gnomAD database, including 1 homozygote. The variant (described as NM_001244008 c.4771C>T (p.R1591W)) has been observed in an individual affected with seizures, optic nerve atrophy, and hypotonia (Boyle_2021). These report(s) do not provide unequivocal conclusions about association of the variant with Neuropathy, hereditary sensory, type 2C. To our knowledge, no experimental evidence demonstrating an impact on protein function has been reported. The following publication have been ascertained in the context of this evaluation (PMID: 33880452). ClinVar contains an entry for this variant (Variation ID: 377242). Based on the evidence outlined above, the variant was classified as uncertain significance.

Genomic Medicine Center of Excellence, King Faisal Specialist Hospital and Research Centre
Classification: Likely benign for Intellectual disability, autosomal dominant 9. Last evaluated: 2025-09-10. Review status: criteria provided, single submitter. Criteria: ACMG Guidelines, 2015. Collection method: clinical testing. Allele origin: germline.

Athena Diagnostics
Classification: Uncertain significance. Last evaluated: 2025-07-23. Review status: criteria provided, single submitter. Criteria: Athena Diagnostics Criteria. Collection method: clinical testing. Allele origin: unknown.
Comment: Available data are insufficient to determine the clinical significance of the variant at this time. The frequency of this variant in the general population is uninformative in assessment of its pathogenicity. Polyphen and MutationTaster yielded discordant predictions regarding whether this amino acid change is damaging to the protein.

Mayo Clinic Laboratories, Mayo Clinic
Classification: Uncertain significance. Last evaluated: 2025-05-18. Review status: criteria provided, single submitter. Criteria: ACMG Guidelines, 2015. Collection method: clinical testing. Allele origin: germline. Observed: 1 variant allele.

GeneDx
Classification: Uncertain significance. Last evaluated: 2023-11-22. Review status: criteria provided, single submitter. Criteria: GeneDx Variant Classification Process June 2021. Collection method: clinical testing. Allele origin: germline. Affected: yes.
Comment: Observed with another variant on the opposite allele (in trans) in a patient with seizures, optic nerve atrophy, and hypotonia; however, spasticity and neuropathy were not reported (PMID: 33880452); In silico analysis supports that this missense variant has a deleterious effect on protein structure/function; This variant is associated with the following publications: (PMID: 33880452)

CeGaT Center for Human Genetics Tuebingen
Classification: Uncertain significance. Last evaluated: 2023-09-01. Review status: criteria provided, single submitter. Criteria: CeGaT Center For Human Genetics Tuebingen Variant Classification Criteria Version 2. Collection method: clinical testing. Allele origin: germline. Affected: yes. Observed: 1 variant allele.
Comment: KIF1A: PM2

Ambry Genetics
Classification: Uncertain significance for Inborn genetic diseases. Last evaluated: 2022-03-21. Review status: criteria provided, single submitter. Criteria: Ambry Variant Classification Scheme 2023. Collection method: clinical testing. Allele origin: germline.
Comment: The p.R1591W variant (also known as c.4771C>T), located in coding exon 44 of the KIF1A gene, results from a C to T substitution at nucleotide position 4771. The arginine at codon 1591 is replaced by tryptophan, an amino acid with dissimilar properties. This amino acid position is highly conserved in available vertebrate species. In addition, the in silico prediction for this alteration is inconclusive. The evidence for this gene-disease relationship is limited; therefore, the clinical significance of this alteration is unclear.

New York Genome Center
Classification: Uncertain significance for Intellectual disability, autosomal dominant 9; Neuropathy, hereditary sensory, type 2C; Spastic paraplegia 30A, autosomal dominant. Last evaluated: 2021-09-17. Review status: criteria provided, single submitter. Criteria: NYGC Assertion Criteria 2020. Collection method: clinical testing. Allele origin: inherited. Observed: 1 heterozygote. Study: CSER-NYCKidSeq.

Genome Diagnostics Laboratory, The Hospital for Sick Children
Classification: Uncertain significance for Hereditary spastic paraplegia. Last evaluated: 2021-04-22. Review status: criteria provided, single submitter. Criteria: ACMG Guidelines, 2015. Collection method: clinical testing. Allele origin: germline. Affected: yes.

Eurofins Ntd Llc (ga)
Classification: Uncertain significance. Last evaluated: 2017-03-09. Review status: criteria provided, single submitter. Criteria: EGL Classification Definitions 2015. Collection method: clinical testing. Allele origin: germline. Observed: 1 variant allele, 1 heterozygote.

Center for Pediatric Genomic Medicine, Children's Mercy Hospital and Clinics
Classification: Uncertain significance. Last evaluated: 2017-01-05. Review status: criteria provided, single submitter. Criteria: ACMG Guidelines, 2015. Collection method: clinical testing. Allele origin: germline.
ClinVar note: Converted during submission from Uncertain Significance to Uncertain significance.

Clinical Genetics DNA and cytogenetics Diagnostics Lab, Erasmus MC, Erasmus Medical Center
Classification: Uncertain significance. Review status: no assertion criteria provided. Collection method: clinical testing. Allele origin: germline. Affected: yes. Study: VKGL Data-share Consensus. Not counted in ClinVar's aggregate classification.

Clinical Genetics, Academic Medical Center
Classification: Uncertain significance. Review status: no assertion criteria provided. Collection method: clinical testing. Allele origin: germline. Affected: yes. Study: VKGL Data-share Consensus. Not counted in ClinVar's aggregate classification.

Literature cited by the submitters: PubMed 33880452 (cited by Women's Health and Genetics/Laboratory Corporation of America, LabCorp and Mayo Clinic Laboratories, Mayo Clinic).

NM_001244008.2(KIF1A):c.4771C>T (p.Arg1591Trp)

Gene: KIF1A (kinesin family member 1A; minus strand). Cytogenetic location: 2q37.3.
Variant type: single nucleotide variant.
Coding change: c.4771C>T on transcript NM_001244008.2 (MANE Select); coding-DNA position 4771, C replaced by T.
Protein change: p.Arg1591Trp; replaces arginine 1591 with tryptophan.
Molecular consequence: missense variant.
Genome position (GRCh38, 1-based): chr2:240,721,011, G>A on the plus strand (C>T on the coding strand, the complement: KIF1A is on the minus strand). VCF-style: chr2-240721011-G-A. GRCh37 (hg19) VCF-style: chr2-241660428-G-A.
Other names: p.Arg1490Trp; c.4495C>T, p.Arg1499Trp (NM_001320705.2, NM_001379649.1); c.4522C>T, p.Arg1508Trp (NM_001330289.2); c.4570C>T, p.Arg1524Trp (NM_001330290.2, NM_001379648.1); c.4846C>T, p.Arg1616Trp (NM_001379631.1); c.4747C>T, p.Arg1583Trp (NM_001379632.1); c.4744C>T, p.Arg1582Trp (NM_001379633.1, NM_001379645.1); c.4597C>T, p.Arg1533Trp (NM_001379634.1); and 9 more; short protein forms R1490W, R1591W, R1524W, R1499W, R1508W, R1489W, R1498W, R1507W.
Identifiers: ClinVar variation 377242 (VCV000377242.56), dbSNP rs201139273, ClinGen allele CA2207302.